The following is an entry in ClinVar:

ClinVar aggregate classification (germline): Uncertain significance. Review status: criteria provided, multiple submitters, no conflicts (2 of 4 stars). 4 submissions from 4 submitters: Uncertain significance (4). Last evaluated 2025-07-28.

Conditions:
Hypertrophic cardiomyopathy 14. Identifiers: MedGen C2750467, MONDO:0013197, OMIM 613251.
Cardiovascular phenotype. Identifiers: MedGen CN230736.
Sick sinus syndrome 3, susceptibility to (SSS3). Identifiers: Orphanet 166282, MedGen C3279791, MONDO:0013568, OMIM 614090.
Hypertrophic cardiomyopathy 1 (CMH1). Also called: Familial hypertrophic cardiomyopathy 1; MYH7-Related Familial Hypertrophic Cardiomyopathy. Identifiers: MedGen C3495498, MONDO:0008647, OMIM 192600.
Atrial septal defect 3 (ASD3). Identifiers: Orphanet 1478, MedGen C3279790, MONDO:0013567, OMIM 614089.
Dilated cardiomyopathy 1EE (CMD1EE). Identifiers: Orphanet 154, MedGen C2750466, MONDO:0013198, OMIM 613252.

Allele frequency attached by ClinVar (database versions not stated): gnomAD below 0.00001 and 0.00002; TOPMed below 0.00001; ExAC 0.00007; gnomAD exomes 0.00007.
gnomAD v4.1: 48 of 1,614,238 alleles (0.003%); highest among the groups gnomAD compares: South Asian, 0.052%; 1 homozygote.

Submissions (4):

Ambry Genetics
Classification: Uncertain significance for Cardiovascular phenotype. Last evaluated: 2025-07-28. Review status: criteria provided, single submitter. Criteria: Ambry Variant Classification Scheme 2023. Collection method: clinical testing. Allele origin: germline.
Comment: The p.S623F variant (also known as c.1868C>T), located in coding exon 13 of the MYH6 gene, results from a C to T substitution at nucleotide position 1868. The serine at codon 623 is replaced by phenylalanine, an amino acid with highly dissimilar properties. This amino acid position is conserved. In addition, this alteration is predicted to be tolerated by in silico analysis. Based on the available evidence, the clinical significance of this variant remains unclear.

Labcorp Genetics (formerly Invitae), Labcorp
Classification: Uncertain significance for Hypertrophic cardiomyopathy 14. Last evaluated: 2023-11-01. Review status: criteria provided, single submitter. Criteria: Invitae Variant Classification Sherloc (09022015). Collection method: clinical testing. Allele origin: germline.
Comment: This sequence change replaces serine, which is neutral and polar, with phenylalanine, which is neutral and non-polar, at codon 623 of the MYH6 protein (p.Ser623Phe). This variant is present in population databases (rs764362016, gnomAD 0.06%), and has an allele count higher than expected for a pathogenic variant. This variant has not been reported in the literature in individuals affected with MYH6-related conditions. ClinVar contains an entry for this variant (Variation ID: 642882). Advanced modeling of protein sequence and biophysical properties (such as structural, functional, and spatial information, amino acid conservation, physicochemical variation, residue mobility, and thermodynamic stability) performed at Invitae indicates that this missense variant is not expected to disrupt MYH6 protein function with a negative predictive value of 80%. In summary, the available evidence is currently insufficient to determine the role of this variant in disease. Therefore, it has been classified as a Variant of Uncertain Significance.

Fulgent Genetics
Classification: Uncertain significance for Hypertrophic cardiomyopathy 1; Hypertrophic cardiomyopathy 14; Dilated cardiomyopathy 1EE; Atrial septal defect 3; Sick sinus syndrome 3, susceptibility to. Last evaluated: 2021-11-18. Review status: criteria provided, single submitter. Criteria: ACMG Guidelines, 2015. Collection method: clinical testing. Allele origin: unknown.

Revvity Omics, Revvity
Classification: Uncertain significance. Last evaluated: 2020-06-24. Review status: criteria provided, single submitter. Criteria: ACMG Guidelines, 2015. Collection method: clinical testing. Allele origin: germline.

NM_002471.4(MYH6):c.1868C>T (p.Ser623Phe)

Gene: MYH6 (myosin heavy chain 6; minus strand). Cytogenetic location: 14q11.2.
Variant type: single nucleotide variant.
Coding change: c.1868C>T on transcript NM_002471.4 (MANE Select); coding-DNA position 1868, C replaced by T.
Protein change: p.Ser623Phe; replaces serine 623 with phenylalanine.
Molecular consequence: missense variant.
Genome position (GRCh38, 1-based): chr14:23,398,751, G>A on the plus strand (C>T on the coding strand, the complement: MYH6 is on the minus strand). VCF-style: chr14-23398751-G-A. GRCh37 (hg19) VCF-style: chr14-23867960-G-A.
Other names: short protein forms S623F.
Identifiers: ClinVar variation 642882 (VCV000642882.14), dbSNP rs764362016, ClinGen allele CA7115693.